The following is an entry in ClinVar:

NM_004006.3(DMD):c.8560_8561delinsAC (p.Glu2854Thr)

Gene: DMD (dystrophin; minus strand). Cytogenetic location: Xp21.2.
Variant type: Indel.
Coding change: c.8560_8561delinsAC on transcript NM_004006.3 (MANE Select); coding-DNA positions 8560 to 8561, GA replaced by AC.
Protein change: p.Glu2854Thr; replaces glutamic acid 2854 with threonine.
Molecular consequence: missense variant.
Genome position (GRCh38, 1-based): chrX:31,479,090-31,479,091, TC replaced by GT on the plus strand (GA replaced by AC on the coding strand, the reverse complement: DMD is on the minus strand). VCF-style: chrX-31479090-TC-GT. GRCh37 (hg19) VCF-style: chrX-31497207-TC-GT.
Other names: c.8536_8537delinsAC, p.Glu2846Thr (NM_000109.4); c.8548_8549delinsAC, p.Glu2850Thr (NM_004009.3); c.8191_8192delinsAC, p.Glu2731Thr (NM_004010.3); c.4537_4538delinsAC, p.Glu1513Thr (NM_004011.4); c.4528_4529delinsAC, p.Glu1510Thr (NM_004012.4); c.1180_1181delinsAC, p.Glu394Thr (NM_004013.3, NM_004020.4, NM_004021.3 and 2 more transcripts); c.373_374delinsAC, p.Glu125Thr (NM_004014.3); c.8560_8561delGAinsAC (NM_004006.2); short protein forms E125T, E1513T, E2731T, E2850T, E394T, E1510T, E2854T, E2846T.
Identifiers: ClinVar variation 1431223 (VCV001431223.8), dbSNP rs2149257504, ClinGen allele CA2573158633.
Genomic context (GRCh38, chrX:31,479,090, plus strand): 5'-GTCAGAAATATTCGTACAGTCTCAAGAGTACTCATGATTACAGGTTCTTTAGTTTTCAAT[TC>GT]CCTCTTGAAGGCCTGTGAAATGAGATGAAAAGAAGTGCTTATTTGGCTTGTGGCATTCTT-3'
Protein context (NP_003997.2, residues 2844-2864): QNDVHRAFKR[Glu2854Thr]LKTKEPVIMS

ClinVar aggregate classification (germline): Uncertain significance. Review status: criteria provided, multiple submitters, no conflicts (2 of 4 stars). 2 submissions from 2 submitters: Uncertain significance (2). Last evaluated 2023-12-09.

Conditions:
Duchenne muscular dystrophy (DMD). Also called: MUSCULAR DYSTROPHY, PSEUDOHYPERTROPHIC PROGRESSIVE, DUCHENNE TYPE; Duchenne Muscular Dystrophy (DMD). Identifiers: Orphanet 98896, MedGen C0013264, MONDO:0010679, OMIM 310200.
Cardiovascular phenotype. Identifiers: MedGen CN230736.

Submissions (2):

Labcorp Genetics (formerly Invitae), Labcorp
Classification: Uncertain significance for Duchenne muscular dystrophy. Last evaluated: 2023-12-09. Review status: criteria provided, single submitter. Criteria: Invitae Variant Classification Sherloc (09022015). Collection method: clinical testing. Allele origin: germline.
Comment: This sequence change replaces glutamic acid, which is acidic and polar, with threonine, which is neutral and polar, at codon 2854 of the DMD protein (p.Glu2854Thr). Information on the frequency of this variant in the gnomAD database is not available, as this variant may be reported differently in the database. This variant has not been reported in the literature in individuals affected with DMD-related conditions. ClinVar contains an entry for this variant (Variation ID: 1431223). An algorithm developed to predict the effect of missense changes on protein structure and function (PolyPhen-2) suggests that this variant is likely to be disruptive. In summary, the available evidence is currently insufficient to determine the role of this variant in disease. Therefore, it has been classified as a Variant of Uncertain Significance.

Ambry Genetics
Classification: Uncertain significance for Cardiovascular phenotype. Last evaluated: 2022-11-15. Review status: criteria provided, single submitter. Criteria: Ambry Variant Classification Scheme 2023. Collection method: clinical testing. Allele origin: germline.
Comment: The c.8560_8561delGAinsAC variant (also known as p.E2854T), located in coding exon 58 of the DMD gene, results from an in-frame deletion of GA and insertion of AC at nucleotide positions 8560 to 8561. This results in the substitution of the glutamic acid residue for a threonine residue at codon 2854, an amino acid with similar properties. This amino acid position is highly conserved in available vertebrate species. In addition, the in silico prediction for this alteration is inconclusive (Choi Y et al. PLoS ONE. 2012; 7(10):e46688). Since supporting evidence is limited at this time, the clinical significance of this alteration remains unclear.